The following is an entry in ClinVar:

NM_021978.4(ST14):c.558C>T (p.Arg186=)

Gene: ST14 (ST14 transmembrane serine protease matriptase; plus strand). Cytogenetic location: 11q24.3.
Variant type: single nucleotide variant.
Coding change: c.558C>T on transcript NM_021978.4 (MANE Select); coding-DNA position 558, C replaced by T.
Protein change: p.Arg186=; no amino-acid change (arginine 186 retained).
Molecular consequence: synonymous variant.
Genome position (GRCh38, 1-based): chr11:130,189,856, C>T. VCF-style: chr11-130189856-C-T. GRCh37 (hg19) VCF-style: chr11-130059751-C-T.
Identifiers: ClinVar variation 3057628 (VCV003057628.2), dbSNP rs1266157716, ClinGen allele CA477547145.

ClinVar aggregate classification (germline): Likely benign (0 of 4 stars; one submission).

Conditions:
ST14-related disorder. Also called: ST14-related condition.

Allele frequency attached by ClinVar (database versions not stated): TOPMed below 0.00001; gnomAD 0.00001; gnomAD exomes 0.00001.
gnomAD v4.1: 13 of 1,613,782 alleles (0.00081%); highest among the groups gnomAD compares: Admixed American, 0.0017%; no homozygotes.

Submission:

PreventionGenetics, part of Exact Sciences
Classification: Likely benign for ST14-related condition. Last evaluated: 2019-03-29. Review status: no assertion criteria provided. Collection method: clinical testing. Allele origin: germline.
Comment: This variant is classified as likely benign based on ACMG/AMP sequence variant interpretation guidelines (Richards et al. 2015 PMID: 25741868, with internal and published modifications).